The following is an entry in ClinVar:

NM_024642.5(GALNT12):c.648G>A (p.Ala216=)

Gene: GALNT12 (polypeptide N-acetylgalactosaminyltransferase 12; plus strand). Cytogenetic location: 9q22.33.
Variant type: single nucleotide variant.
Coding change: c.648G>A on transcript NM_024642.5 (MANE Select); coding-DNA position 648, G replaced by A.
Protein change: p.Ala216=; no amino-acid change (alanine 216 retained).
Molecular consequence: synonymous variant.
Genome position (GRCh38, 1-based): chr9:98,826,858, G>A. VCF-style: chr9-98826858-G-A. GRCh37 (hg19) VCF-style: chr9-101589140-G-A.
Identifiers: ClinVar variation 698344 (VCV000698344.15), dbSNP rs773995200, ClinGen allele CA5154015.
Genomic context (GRCh38, chr9:98,826,858, plus strand): 5'-GGTGCGCCTGATCCGCGCCAACAAGAGAGAGGGCCTGGTGCGAGCCCGGCTGCTGGGGGC[G>A]TCTGCGGCGAGGGGCGATGTTCTGACCTTCCTGGACTGTCACTGTGAGTGCCACGAAGGG-3'
Protein context (NP_078918.3, residues 206-226): EGLVRARLLG[Ala216=]SAARGDVLTF

ClinVar aggregate classification (germline): Benign/Likely benign. Review status: criteria provided, multiple submitters, no conflicts (2 of 4 stars). 4 submissions from 4 submitters: Benign (1); Likely benign (3). Last evaluated 2026-04-24.

Conditions:
Colorectal cancer, susceptibility to, 1. Also called: COLORECTAL ADENOMA AND CANCER, SUSCEPTIBILITY TO; COLORECTAL CANCER, SUSCEPTIBILITY TO, ON CHROMOSOME 9. Identifiers: MedGen C1837315, MONDO:0012132, OMIM 608812.

Allele frequency attached by ClinVar (database versions not stated): gnomAD exomes 0.00003; TOPMed 0.00004; gnomAD 0.00003; ExAC 0.00004.

Submissions (4):

Myriad Genetics, Inc.
Classification: Benign for Colorectal cancer, susceptibility to, 1. Last evaluated: 2026-04-24. Review status: criteria provided, single submitter. Criteria: Myriad Autosomal Dominant, Autosomal Recessive and X-Linked Classification Criteria (2023). Collection method: clinical testing. Allele origin: unknown.
Comment: This variant is considered benign. This variant is a silent/synonymous amino acid change and it is not expected to impact splicing.

Labcorp Genetics (formerly Invitae), Labcorp
Classification: Likely benign. Last evaluated: 2025-06-15. Review status: criteria provided, single submitter. Criteria: Invitae Variant Classification Sherloc (09022015). Collection method: clinical testing. Allele origin: germline.

Quest Diagnostics Nichols Institute San Juan Capistrano
Classification: Likely benign. Last evaluated: 2023-06-03. Review status: criteria provided, single submitter. Criteria: Quest Diagnostics criteria. Collection method: clinical testing. Allele origin: unknown.

Ambry Genetics
Classification: Likely benign. Last evaluated: 2019-01-21. Review status: criteria provided, single submitter. Criteria: Ambry Variant Classification Scheme 2023. Collection method: clinical testing. Allele origin: germline.